The following is an entry in ClinVar:

NM_001127222.2(CACNA1A):c.2948G>A (p.Ser983Asn)

Gene: CACNA1A (calcium voltage-gated channel subunit alpha1 A; minus strand). Cytogenetic location: 19p13.13.
Variant type: single nucleotide variant.
Coding change: c.2948G>A on transcript NM_001127222.2 (MANE Select); coding-DNA position 2948, G replaced by A.
Protein change: p.Ser983Asn; replaces serine 983 with asparagine.
Molecular consequence: missense variant.
Genome position (GRCh38, 1-based): chr19:13,298,685, C>T on the plus strand (G>A on the coding strand, the complement: CACNA1A is on the minus strand). VCF-style: chr19-13298685-C-T. GRCh37 (hg19) VCF-style: chr19-13409499-C-T.
Other names: c.2960G>A, p.Ser987Asn (NM_023035.3, NM_000068.4); c.2951G>A, p.Ser984Asn (NM_001127221.2, NM_001174080.2); short protein forms S983N, S987N, S984N.
Identifiers: ClinVar variation 4791487 (VCV004791487.1).

ClinVar aggregate classification (germline): Uncertain significance (1 of 4 stars; one submission).

Conditions:
Episodic ataxia type 2 (EA2). Also called: ACETAZOLAMIDE-RESPONSIVE HEREDITARY PAROXYSMAL CEREBELLAR ATAXIA; ATAXIA, EPISODIC, WITH NYSTAGMUS; ATAXIA, FAMILIAL PAROXYSMAL; CEREBELLAR ATAXIA, PAROXYSMAL, ACETAZOLAMIDE-RESPONSIVE; CEREBELLOPATHY, HEREDITARY PAROXYSMAL; EPISODIC ATAXIA, NYSTAGMUS-ASSOCIATED. Identifiers: Orphanet 97, MedGen C1720416, MONDO:0007163, OMIM 108500.
Developmental and epileptic encephalopathy, 42 (DEE42A). Also called: Epileptic encephalopathy, early infantile, 42; DEVELOPMENTAL AND EPILEPTIC ENCEPHALOPATHY 42A; EPILEPTIC ENCEPHALOPATHY, EARLY INFANTILE, 42A. Identifiers: MedGen C4310716, MONDO:0014917, OMIM 617106.

gnomAD v4.1: 3 of 1,466,164 alleles (0.0002%); highest among the groups gnomAD compares: Middle Eastern, 0.018%; no homozygotes.

Submission:

Labcorp Genetics (formerly Invitae), Labcorp
Classification: Uncertain significance for Developmental and epileptic encephalopathy, 42; Episodic ataxia type 2. Last evaluated: 2025-05-15. Review status: criteria provided, single submitter. Criteria: Invitae Variant Classification Sherloc (09022015). Collection method: clinical testing. Allele origin: germline.
Comment: This sequence change replaces serine, which is neutral and polar, with asparagine, which is neutral and polar, at codon 984 of the CACNA1A protein (p.Ser984Asn). The frequency data for this variant in the population databases is considered unreliable, as metrics indicate poor data quality at this position in the gnomAD database. This variant has not been reported in the literature in individuals affected with CACNA1A-related conditions. Invitae Evidence Modeling of protein sequence and biophysical properties (such as structural, functional, and spatial information, amino acid conservation, physicochemical variation, residue mobility, and thermodynamic stability) indicates that this missense variant is not expected to disrupt CACNA1A protein function with a negative predictive value of 95%. In summary, the available evidence is currently insufficient to determine the role of this variant in disease. Therefore, it has been classified as a Variant of Uncertain Significance.